The following is an entry in ClinVar:

NM_003850.3(SUCLA2):c.1228+5G>C

Gene: SUCLA2 (succinate-CoA ligase ADP-forming subunit beta; minus strand). Cytogenetic location: 13q14.2.
Variant type: single nucleotide variant.
Coding change: c.1228+5G>C on transcript NM_003850.3 (MANE Select); 5 bases into the intron after coding-DNA position 1228, G replaced by C.
Molecular consequence: intron variant.
Genome position (GRCh38, 1-based): chr13:47,949,478, C>G on the plus strand (G>C on the coding strand, the complement: SUCLA2 is on the minus strand). VCF-style: chr13-47949478-C-G. GRCh37 (hg19) VCF-style: chr13-48523613-C-G.
Identifiers: ClinVar variation 3371415 (VCV003371415.1).

ClinVar aggregate classification (germline): Uncertain significance (1 of 4 stars; one submission).

gnomAD v4.1: 4 of 1,613,278 alleles (0.00025%); no homozygotes.

Submission:

GeneDx
Classification: Uncertain significance. Last evaluated: 2024-03-25. Review status: criteria provided, single submitter. Criteria: GeneDx Variant Classification Process June 2021. Collection method: clinical testing. Allele origin: germline. Affected: yes.
Comment: Not observed at significant frequency in large population cohorts (gnomAD); In silico analysis supports a deleterious effect on splicing; Has not been previously published as pathogenic or benign to our knowledge